The following is an entry in ClinVar:

NM_015374.3(SUN2):c.1060C>T (p.Arg354Cys)

Genes: GTPBP1 (GTP binding protein 1; plus strand), SUN2 (Sad1 and UNC84 domain containing 2; minus strand). Cytogenetic location: 22q13.1.
Variant type: single nucleotide variant.
Coding change: c.1060C>T on transcript NM_015374.3 (MANE Select); coding-DNA position 1060, C replaced by T.
Protein change: p.Arg354Cys; replaces arginine 354 with cysteine.
Molecular consequence: missense variant. On other transcripts: intron variant (3).
Genome position (GRCh38, 1-based): chr22:38,742,309, G>A on the plus strand (C>T on the coding strand, the complement: SUN2 is on the minus strand). VCF-style: chr22-38742309-G-A. GRCh37 (hg19) VCF-style: chr22-39138314-G-A.
Other names: c.1123C>T, p.Arg375Cys (NM_001199579.2, NM_001394428.1); c.1060C>T, p.Arg354Cys (NM_001199580.2, NM_001394431.1, NM_001394432.1 and 5 more transcripts); c.1153C>T, p.Arg385Cys (NM_001394427.1); c.1105C>T, p.Arg369Cys (NM_001394429.1, NM_001394430.1); c.970C>T, p.Arg324Cys (NM_001394438.1); c.922C>T, p.Arg308Cys (NM_001394439.1, NM_001394440.1, NM_001394441.1); c.568C>T, p.Arg190Cys (NM_001394443.1); c.615-1877C>T (NM_001394444.1, NM_001394445.1); and 1 more; short protein forms R190C, R375C, R385C, R308C, R324C, R354C, R369C.
Identifiers: ClinVar variation 2717036 (VCV002717036.3), dbSNP rs774990510, ClinGen allele CA10235683.

ClinVar aggregate classification (germline): Uncertain significance (1 of 4 stars; one submission).

Conditions:
Emery-Dreifuss muscular dystrophy (EDMD). Also called: Scapuloperoneal syndrome, X-linked (formerly); Humeroperoneal neuromuscular disease, (formerly). Identifiers: Orphanet 261, MedGen C0410189, MONDO:0016830.

Allele frequency attached by ClinVar (database versions not stated): ExAC 0.00001; gnomAD 0.00001; TOPMed 0.00001.
gnomAD v4.1: 29 of 1,601,232 alleles (0.0018%); highest among the groups gnomAD compares: South Asian, 0.0033%; no homozygotes.

Submission:

Labcorp Genetics (formerly Invitae), Labcorp
Classification: Uncertain significance for Emery-Dreifuss muscular dystrophy. Last evaluated: 2024-05-10. Review status: criteria provided, single submitter. Criteria: Invitae Variant Classification Sherloc (09022015). Collection method: clinical testing. Allele origin: germline.
Comment: This sequence change replaces arginine, which is basic and polar, with cysteine, which is neutral and slightly polar, at codon 354 of the SUN2 protein (p.Arg354Cys). The frequency data for this variant in the population databases is considered unreliable, as metrics indicate poor data quality at this position in the gnomAD database. This variant has not been reported in the literature in individuals affected with SUN2-related conditions. An algorithm developed to predict the effect of missense changes on protein structure and function (PolyPhen-2) suggests that this variant is likely to be disruptive. In summary, the available evidence is currently insufficient to determine the role of this variant in disease. Therefore, it has been classified as a Variant of Uncertain Significance.